The following is an entry in ClinVar:

ClinVar aggregate classification (germline): Pathogenic (1 of 4 stars; one submission).

Conditions:
Joubert syndrome 23 (JBTS23). Identifiers: Orphanet 475, MedGen C4084822, MONDO:0014664, OMIM 616490.
Short-rib thoracic dysplasia 14 with polydactyly (SRTD14). Identifiers: Orphanet 397715, MedGen C4225286, MONDO:0014688, OMIM 616546.

Submission:

Labcorp Genetics (formerly Invitae), Labcorp
Classification: Pathogenic for Joubert syndrome 23; Short-rib thoracic dysplasia 14 with polydactyly. Last evaluated: 2019-08-21. Review status: criteria provided, single submitter. Criteria: Invitae Variant Classification Sherloc (09022015). Collection method: clinical testing. Allele origin: germline.
Comment: This sequence change creates a premature translational stop signal (p.Gln623*) in the KIAA0586 gene. It is expected to result in an absent or disrupted protein product. The frequency data for this variant in the population databases is considered unreliable, as metrics indicate insufficient coverage at this position in the ExAC database. This variant has not been reported in the literature in individuals with KIAA0586-related conditions. Loss-of-function variants in KIAA0586 are known to be pathogenic (PMID: 26096313, 26166481, 26386044). For these reasons, this variant has been classified as Pathogenic.

NM_001329943.3(KIAA0586):c.1708C>T (p.Gln570Ter)

Gene: KIAA0586 (KIAA0586; plus strand). Cytogenetic location: 14q23.1.
Variant type: single nucleotide variant.
Coding change: c.1708C>T on transcript NM_001329943.3 (MANE Select); coding-DNA position 1708, C replaced by T.
Protein change: p.Gln570Ter; replaces glutamine 570 with a stop codon.
Molecular consequence: nonsense. On other transcripts: intron variant (1).
Genome position (GRCh38, 1-based): chr14:58,459,894, C>T. VCF-style: chr14-58459894-C-T. GRCh37 (hg19) VCF-style: chr14-58926612-C-T.
Other names: c.1867C>T, p.Gln623Ter (NM_001244189.2); c.1663C>T, p.Gln555Ter (NM_001244190.2); c.1453C>T, p.Gln485Ter (NM_001244191.2, NM_001329945.2, NM_001364700.1 and 1 more transcripts); c.1576C>T, p.Gln526Ter (NM_001244192.2); c.1288C>T, p.Gln430Ter (NM_001244193.2); c.1708C>T, p.Gln570Ter (NM_001329944.2, NM_001329946.2, NM_001329947.2); c.1657-1092C>T (NM_014749.5); short protein forms Q430*, Q570*, Q485*, Q526*, Q555*, Q623*.
Identifiers: ClinVar variation 933557 (VCV000933557.1), dbSNP rs2040187420, ClinGen allele CA389870606.
Genomic context (GRCh38, chr14:58,459,894, plus strand): 5'-TATGTTAAGGATGAACTGTCAAGAACAGATTATGAACAAAAAAGATTTGATCAGAAGAAT[C>T]AGAGAACCAAGAAAGGTCAGAATATGACTAAAGATATTAGAACCAACACACAAGATAAAA-3'